The following is an entry in ClinVar:

ClinVar aggregate classification (germline): Uncertain significance (1 of 4 stars; one submission).

Allele frequency attached by ClinVar (database versions not stated): gnomAD 0.00001; TOPMed 0.00002; ESP Exome Variant Server 0.00008.

Submission:

Labcorp Genetics (formerly Invitae), Labcorp
Classification: Uncertain significance. Last evaluated: 2023-10-03. Review status: criteria provided, single submitter. Criteria: Invitae Variant Classification Sherloc (09022015). Collection method: clinical testing. Allele origin: germline.
Comment: This sequence change falls in intron 16 of the PDE6C gene. It does not directly change the encoded amino acid sequence of the PDE6C protein. This variant is not present in population databases (gnomAD no frequency). This variant has not been reported in the literature in individuals affected with PDE6C-related conditions. ClinVar contains an entry for this variant (Variation ID: 1993242). Algorithms developed to predict the effect of sequence changes on RNA splicing suggest that this variant may create or strengthen a splice site. In summary, the available evidence is currently insufficient to determine the role of this variant in disease. Therefore, it has been classified as a Variant of Uncertain Significance.

NM_006204.4(PDE6C):c.2037-12T>C

Gene: PDE6C (phosphodiesterase 6C; plus strand). Cytogenetic location: 10q23.33.
Variant type: single nucleotide variant.
Coding change: c.2037-12T>C on transcript NM_006204.4 (MANE Select); 12 bases into the intron before coding-DNA position 2037, T replaced by C.
Molecular consequence: intron variant.
Genome position (GRCh38, 1-based): chr10:93,658,889, T>C. VCF-style: chr10-93658889-T-C. GRCh37 (hg19) VCF-style: chr10-95418646-T-C.
Identifiers: ClinVar variation 1993242 (VCV001993242.4), dbSNP rs367886689, ClinGen allele CA211552185.